The following is an entry in ClinVar:

ClinVar aggregate classification (germline): Conflicting classifications of pathogenicity. Review status: criteria provided, conflicting classifications (1 of 4 stars). 11 submissions from 11 submitters: Uncertain significance (5); Likely benign (6). Last evaluated 2025-11-26.

Conditions:
FGD4-related disorder. Also called: FGD4-related condition.
Inborn genetic diseases. Identifiers: MedGen C0950123, MeSH D030342.
Charcot-Marie-Tooth disease. Also called: Charcot-Marie-Tooth Neuropathy; Charcot-Marie-Tooth Hereditary Neuropathy. Identifiers: Orphanet 166, MedGen C0007959, MONDO:0015626.
Charcot-Marie-Tooth disease type 4. Also called: Charcot-Marie-Tooth, Type 4; Charcot-Marie-Tooth disease, type IV. Identifiers: Orphanet 64749, MedGen C4082197, MONDO:0018995.
Charcot-Marie-Tooth disease type 4H (CMT4H). Also called: CHARCOT-MARIE-TOOTH DISEASE, AUTOSOMAL RECESSIVE, TYPE 4H; CHARCOT-MARIE-TOOTH DISEASE, DEMYELINATING, AUTOSOMAL RECESSIVE, TYPE 4H; CHARCOT-MARIE-TOOTH NEUROPATHY, TYPE 4H; CHARCOT-MARIE-TOOTH DISEASE, DEMYELINATING, TYPE 4H. Identifiers: Orphanet 99954, MedGen C1836336, MONDO:0012250, OMIM 609311.

Allele frequency attached by ClinVar (database versions not stated): ESP Exome Variant Server 0.00023; gnomAD 0.00024 and 0.00028; TOPMed 0.00027; gnomAD exomes 0.00029 and 0.00039; ExAC 0.00043.
gnomAD v4.1: 467 of 1,614,038 alleles (0.029%); highest among the groups gnomAD compares: Middle Eastern, 0.18%; 4 homozygotes.

Submissions (11):

Labcorp Genetics (formerly Invitae), Labcorp
Classification: Likely benign for Charcot-Marie-Tooth disease type 4. Last evaluated: 2025-11-26. Review status: criteria provided, single submitter. Criteria: Invitae Variant Classification Sherloc (09022015). Collection method: clinical testing. Allele origin: germline.

GeneDx
Classification: Uncertain significance. Last evaluated: 2025-09-09. Review status: criteria provided, single submitter. Criteria: GeneDx Variant Classification Process June 2021. Collection method: clinical testing. Allele origin: germline. Affected: yes.
Comment: In silico analysis supports that this missense variant has a deleterious effect on protein structure/function; Has not been previously published as pathogenic or benign to our knowledge

PreventionGenetics, part of Exact Sciences
Classification: Likely benign for FGD4-related condition. Last evaluated: 2025-05-02. Review status: criteria provided, single submitter. Criteria: ACMG Guidelines, 2015. Collection method: clinical testing. Allele origin: germline.
Comment: This variant is classified as likely benign based on ACMG/AMP sequence variant interpretation guidelines (Richards et al. 2015 PMID: 25741868, with internal and published modifications).

Athena Diagnostics
Classification: Likely benign. Last evaluated: 2025-04-16. Review status: criteria provided, single submitter. Criteria: Athena Diagnostics Criteria. Collection method: clinical testing. Allele origin: unknown.
Comment: The frequency of this variant in the general population is higher than would generally be expected for pathogenic variants in this gene.

ARUP Laboratories, Molecular Genetics and Genomics, ARUP Laboratories
Classification: Uncertain significance for Charcot-Marie-Tooth disease type 4H. Last evaluated: 2025-02-26. Review status: criteria provided, single submitter. Criteria: ARUP Molecular Germline Variant Investigation Process 2024. Collection method: clinical testing. Allele origin: germline.
Comment: The FGD4 c.479G>A; p.Gly160Asp variant (rs201826412), to our knowledge is not reported in the medical literature but is reported in ClinVar (Variation ID: 245601). This variant is found in the South Asian population with an allele frequency of 0.137% (42/30610 alleles, including 1 homozygote) in the Genome Aggregation Database (v2.1.1). Computational analyses predict that this variant is neutral (REVEL: 0.044). Due to limited information, the clinical significance of this variant is uncertain at this time.

Blueprint Genetics
Classification: Uncertain significance. Last evaluated: 2024-10-31. Review status: criteria provided, single submitter. Criteria: ACMG Guidelines, 2015. Collection method: clinical testing. Allele origin: germline.

CeGaT Center for Human Genetics Tuebingen
Classification: Likely benign. Last evaluated: 2023-01-01. Review status: criteria provided, single submitter. Criteria: CeGaT Center For Human Genetics Tuebingen Variant Classification Criteria Version 2. Collection method: clinical testing. Allele origin: germline. Affected: yes. Observed: 1 variant allele.
Comment: FGD4: BP4

Ambry Genetics
Classification: Likely benign for Inborn genetic diseases. Last evaluated: 2022-12-23. Review status: criteria provided, single submitter. Criteria: Ambry Variant Classification Scheme 2023. Collection method: clinical testing. Allele origin: germline.

Department of Pathology and Laboratory Medicine, Sinai Health System
Classification: Likely benign for Charcot-Marie-Tooth disease type 4H. Last evaluated: 2021-11-16. Review status: criteria provided, single submitter. Criteria: ACMG Guidelines, 2015. Collection method: research. Allele origin: germline.

Illumina Laboratory Services, Illumina
Classification: Uncertain significance for Charcot-Marie-Tooth disease type 4H. Last evaluated: 2018-01-12. Review status: criteria provided, single submitter. Criteria: ICSL Variant Classification Criteria 13 December 2019. Collection method: clinical testing. Allele origin: germline.

Molecular Genetics Laboratory, London Health Sciences Centre
Classification: Uncertain significance for Charcot-Marie-Tooth disease. Review status: criteria provided, single submitter. Criteria: ACMG Guidelines, 2015. Collection method: clinical testing. Allele origin: germline. Affected: yes.

NM_001370298.3(FGD4):c.890G>A (p.Gly297Asp)

Gene: FGD4 (FYVE, RhoGEF and PH domain containing 4; plus strand). Cytogenetic location: 12p11.21.
Variant type: single nucleotide variant.
Coding change: c.890G>A on transcript NM_001370298.3 (MANE Select); coding-DNA position 890, G replaced by A.
Protein change: p.Gly297Asp; replaces glycine 297 with aspartic acid.
Molecular consequence: missense variant. On other transcripts: 5 prime UTR variant (2), non-coding transcript variant (1), intron variant (1).
Genome position (GRCh38, 1-based): chr12:32,582,346, G>A. VCF-style: chr12-32582346-G-A. GRCh37 (hg19) VCF-style: chr12-32735280-G-A.
Other names: c.734G>A, p.Gly245Asp (NM_001304481.2); c.-366G>A (NM_001304483.2); c.-673G>A (NM_001304484.2); c.200G>A, p.Gly67Asp (NM_001330373.2, NM_001330374.2, NM_001384130.1); c.890G>A, p.Gly297Asp (NM_001384126.1); c.479G>A, p.Gly160Asp (NM_001384127.1, NM_001384128.1, NM_001384131.1 and 3 more transcripts); c.49-16151G>A (NM_001370297.1); short protein forms G160D, G245D, G67D, G297D.
Identifiers: ClinVar variation 245601 (VCV000245601.52), dbSNP rs201826412, ClinGen allele CA6506638.
Genomic context (GRCh38, chr12:32,582,346, plus strand): 5'-CATCACCCACAACAGACAGCTGTGATGGAAATGCTTCTGACAGTAGCTACAGGACTCCAG[G>A]CATAGGCCCAGTGCTCCCCCTAGAAGAAAGAGGGGCAGAAACAGAAACCAAGGTACAAGA-3'
Protein context (NP_001357227.2, residues 287-307): NASDSSYRTP[Gly297Asp]IGPVLPLEER